The following is an entry in ClinVar:

ClinVar aggregate classification (germline): Conflicting classifications of pathogenicity. Review status: criteria provided, conflicting classifications (1 of 4 stars). 3 submissions from 3 submitters: Uncertain significance (1); Likely benign (2). Last evaluated 2025-10-27.

Conditions:
Combined oxidative phosphorylation defect type 27. Also called: Combined oxidative phosphorylation deficiency 27. Identifiers: Orphanet 477774, MedGen C5567608, MONDO:0014728, OMIM 616672.
Inborn genetic diseases. Identifiers: MedGen C0950123, MeSH D030342.

Allele frequency attached by ClinVar (database versions not stated): gnomAD exomes 0.00005 and 0.00021; gnomAD 0.00006; TOPMed 0.00008; ExAC 0.00032.
gnomAD v4.1: 86 of 1,547,512 alleles (0.0056%); highest among the groups gnomAD compares: African/African-American, 0.0014%; no homozygotes.

Submissions (3):

Labcorp Genetics (formerly Invitae), Labcorp
Classification: Likely benign for Combined oxidative phosphorylation defect type 27. Last evaluated: 2025-10-27. Review status: criteria provided, single submitter. Criteria: Invitae Variant Classification Sherloc (09022015). Collection method: clinical testing. Allele origin: germline.

Ambry Genetics
Classification: Likely benign for Inborn genetic diseases. Last evaluated: 2024-01-03. Review status: criteria provided, single submitter. Criteria: Ambry Variant Classification Scheme 2023. Collection method: clinical testing. Allele origin: germline.

GeneDx
Classification: Uncertain significance. Last evaluated: 2022-10-07. Review status: criteria provided, single submitter. Criteria: GeneDx Variant Classification Process June 2021. Collection method: clinical testing. Allele origin: germline. Affected: yes.
Comment: In silico analysis supports that this missense variant does not alter protein structure/function; Has not been previously published as pathogenic or benign to our knowledge

NM_024537.4(CARS2):c.136A>G (p.Thr46Ala)

Genes: CARS2 (cysteinyl-tRNA synthetase 2, mitochondrial; minus strand), LOC130010127 (ATAC-STARR-seq lymphoblastoid silent region 5509; plus strand). Cytogenetic location: 13q34.
Variant type: single nucleotide variant.
Coding change: c.136A>G on transcript NM_024537.4 (MANE Select); coding-DNA position 136, A replaced by G.
Protein change: p.Thr46Ala; replaces threonine 46 with alanine.
Molecular consequence: missense variant. On other transcripts: non-coding transcript variant (1), intron variant (1).
Genome position (GRCh38, 1-based): chr13:110,705,958, T>C on the plus strand (A>G on the coding strand, the complement: CARS2 is on the minus strand). VCF-style: chr13-110705958-T-C. GRCh37 (hg19) VCF-style: chr13-111358305-T-C.
Other names: c.136A>G, p.Thr46Ala (NM_001352253.3); c.-775-387A>G (NM_001352252.2); c.136A>G (NM_024537.2); short protein forms T46A.
Identifiers: ClinVar variation 732470 (VCV000732470.12), dbSNP rs771202761, ClinGen allele CA7052399.